The following is an entry in ClinVar:

NM_001844.5(COL2A1):c.3597+1G>A

Gene: COL2A1 (collagen type II alpha 1 chain; minus strand). Cytogenetic location: 12q13.11.
Variant type: single nucleotide variant.
Coding change: c.3597+1G>A on transcript NM_001844.5 (MANE Select); the canonical splice donor site of the intron after coding-DNA position 3597, G replaced by A.
Molecular consequence: splice donor variant.
Genome position (GRCh38, 1-based): chr12:47,975,962, C>T on the plus strand (G>A on the coding strand, the complement: COL2A1 is on the minus strand). VCF-style: chr12-47975962-C-T. GRCh37 (hg19) VCF-style: chr12-48369745-C-T.
Other names: c.3390+1G>A (NM_033150.3).
Identifiers: ClinVar variation 449396 (VCV000449396.5), dbSNP rs1555164874, ClinGen allele CA384537251.

ClinVar aggregate classification (germline): Pathogenic. Review status: criteria provided, multiple submitters, no conflicts (2 of 4 stars). 2 submissions from 2 submitters: Pathogenic (2). Last evaluated 2025-08-09.

Conditions:
COL2A1-related disorder. Also called: COL2A1-related condition; COL2A1-related disorders.

Submissions (2):

3billion
Classification: Pathogenic for COL2A1-related disorder. Last evaluated: 2025-08-09. Review status: criteria provided, single submitter. Criteria: ACMG Guidelines, 2015. Collection method: clinical testing. Allele origin: germline. Affected: yes.
Comment: The variant is not observed in the gnomAD v4.1.0 dataset. Predicted Consequence/Location: Canonical splice site: predicted to alter splicing and result in a loss or disruption of normal protein function. Multiple pathogenic loss-of-function variants are reported downstream of the variant. The variant has been reported to be associated with COL2A1-related disorder (ClinVar ID: VCV000449396 /PMID: 18276201). Therefore, this variant is classified as Pathogenic according to the recommendation of ACMG/AMP guideline.

GeneDx
Classification: Pathogenic. Last evaluated: 2021-03-26. Review status: criteria provided, single submitter. Criteria: GeneDx Variant Classification Process June 2021. Collection method: clinical testing. Allele origin: germline. Affected: yes.
Comment: Single/multi-exon deletion in a gene for which loss-of-function is a known mechanism of disease Canonical splice site variant predicted to result in a null allele in a gene for which loss-of-function is a known mechanism of disease; Not observed in large population cohorts (Lek et al., 2016); This variant is associated with the following publications: (PMID: 25525159, 18276201)

Literature cited by the submitters: PubMed 18276201 (cited by 3billion).